The following is an entry in ClinVar:

ClinVar aggregate classification (germline): Benign/Likely benign. Review status: criteria provided, multiple submitters, no conflicts (2 of 4 stars). 3 submissions from 3 submitters: Benign (2); Likely benign (1). Last evaluated 2026-01-04.

Conditions:
SLC9A3-related disorder. Also called: SLC9A3-related condition.

Allele frequency attached by ClinVar (database versions not stated): gnomAD 0.00024 and 0.00063; TOPMed 0.00048; gnomAD exomes 0.00061 and 0.00075; ExAC 0.00080; 1000 Genomes Project 30x 0.00328; 1000 Genomes Project 0.00399.
gnomAD v4.1: 970 of 1,613,498 alleles (0.06%); highest among the groups gnomAD compares: East Asian, 1.9%; 13 homozygotes.

Submissions (3):

Labcorp Genetics (formerly Invitae), Labcorp
Classification: Benign. Last evaluated: 2026-01-04. Review status: criteria provided, single submitter. Criteria: Invitae Variant Classification Sherloc (09022015). Collection method: clinical testing. Allele origin: germline.

PreventionGenetics, part of Exact Sciences
Classification: Benign for SLC9A3-related condition. Last evaluated: 2024-10-25. Review status: criteria provided, single submitter. Criteria: ACMG Guidelines, 2015. Collection method: clinical testing. Allele origin: germline.
Comment: This variant is classified as benign based on ACMG/AMP sequence variant interpretation guidelines (Richards et al. 2015 PMID: 25741868, with internal and published modifications).

Blueprint Genetics
Classification: Likely benign. Last evaluated: 2024-07-17. Review status: criteria provided, single submitter. Criteria: ACMG Guidelines, 2015. Collection method: clinical testing. Allele origin: germline.

NM_004174.4(SLC9A3):c.1638C>T (p.Tyr546=)

Genes: SLC9A3 (solute carrier family 9 member A3), SLC9A3-AS1 (SLC9A3 antisense RNA 1; plus strand). Cytogenetic location: 5p15.33.
Variant type: single nucleotide variant.
Coding change: c.1638C>T on transcript NM_004174.4 (MANE Select); coding-DNA position 1638, C replaced by T.
Protein change: p.Tyr546=; no amino-acid change (tyrosine 546 retained).
Molecular consequence: synonymous variant. On other transcripts: non-coding transcript variant (1).
Genome position (GRCh38, 1-based): chr5:479,845, G>A on the plus strand (C>T on the coding strand, the complement: SLC9A3 is on the minus strand). VCF-style: chr5-479845-G-A. GRCh37 (hg19) VCF-style: chr5-479960-G-A.
Other names: c.1611C>T, p.Tyr537= (NM_001284351.3); c.1638C>T (NM_004174.3).
Identifiers: ClinVar variation 1576235 (VCV001576235.10), dbSNP rs116851209, ClinGen allele CA3175812.